The following is an entry in ClinVar:

ClinVar aggregate classification (germline): Uncertain significance. Review status: criteria provided, multiple submitters, no conflicts (2 of 4 stars). 2 submissions from 2 submitters: Uncertain significance (2). Last evaluated 2025-01-03.

Conditions:
Inborn genetic diseases. Identifiers: MedGen C0950123, MeSH D030342.

Submissions (2):

Ambry Genetics
Classification: Uncertain significance for Inborn genetic diseases. Last evaluated: 2025-01-03. Review status: criteria provided, single submitter. Criteria: Ambry Variant Classification Scheme 2023. Collection method: clinical testing. Allele origin: germline.
Comment: The p.N738T variant (also known as c.2213A>C), located in coding exon 1 of the SAMD9L gene, results from an A to C substitution at nucleotide position 2213. The asparagine at codon 738 is replaced by threonine, an amino acid with similar properties. This amino acid position is conserved. In addition, this alteration is predicted to be tolerated by in silico analysis. Based on the available evidence, the clinical significance of this variant remains unclear.

GeneDx
Classification: Uncertain significance. Last evaluated: 2023-06-14. Review status: criteria provided, single submitter. Criteria: GeneDx Variant Classification Process June 2021. Collection method: clinical testing. Allele origin: germline. Affected: yes.
Comment: Not observed at significant frequency in large population cohorts (gnomAD); In silico analysis supports that this missense variant does not alter protein structure/function; Has not been previously published as pathogenic or benign to our knowledge; This variant is associated with the following publications: (PMID: 28545555)

NM_152703.5(SAMD9L):c.2213A>C (p.Asn738Thr)

Gene: SAMD9L (sterile alpha motif domain containing 9 like; minus strand). Cytogenetic location: 7q21.2.
Variant type: single nucleotide variant.
Coding change: c.2213A>C on transcript NM_152703.5 (MANE Select); coding-DNA position 2213, A replaced by C.
Protein change: p.Asn738Thr; replaces asparagine 738 with threonine.
Molecular consequence: missense variant.
Genome position (GRCh38, 1-based): chr7:93,133,759, T>G on the plus strand (A>C on the coding strand, the complement: SAMD9L is on the minus strand). VCF-style: chr7-93133759-T-G. GRCh37 (hg19) VCF-style: chr7-92763072-T-G.
Other names: c.2213A>C, p.Asn738Thr (NM_001303496.3, NM_001303497.3, NM_001303498.3 and 5 more transcripts); short protein forms N738T.
Identifiers: ClinVar variation 3359716 (VCV003359716.2).
Genomic context (GRCh38, chr7:93,133,759, plus strand): 5'-AAGTCCCAGAGAACATGCATAGCCAGTGTGGTACCTCCACAGCCTGGATGATGATAAAGA[T>G]TGATGATTTTTGCAAATATTGGTTTAGGAGACTCTGCCCAGCAGTGTATTAAATCTTTAA-3'
Protein context (NP_689916.2, residues 728-748): SPKPIFAKII[Asn738Thr]LYHHPGCGGT